The following is an entry in ClinVar:

ClinVar aggregate classification (germline): Conflicting classifications of pathogenicity. Review status: criteria provided, conflicting classifications (1 of 4 stars). 3 submissions from 3 submitters: Pathogenic (1); Likely pathogenic (1); Uncertain significance (1). Last evaluated 2019-10-03.

Conditions:
Inborn genetic diseases. Identifiers: MedGen C0950123, MeSH D030342.
Lissencephaly due to LIS1 mutation (LIS1). Also called: PAFAH1B1-Associated Lissencephaly/Subcortical Band Heterotopia; PAFAH1B1-Related Lissencephaly/Subcortical Band Heterotopia; Isolated Lissencephaly Sequence. Identifiers: Orphanet 95232, MedGen C4749301, MONDO:0011830, OMIM 607432.

Submissions (3):

GeneDx
Classification: Uncertain significance. Last evaluated: 2019-10-03. Review status: criteria provided, single submitter. Criteria: GeneDx Variant Classification Process June 2021. Collection method: clinical testing. Allele origin: germline. Affected: yes.
Comment: Not observed in large population cohorts (Lek et al., 2016); In silico analysis, which includes protein predictors and evolutionary conservation, supports a deleterious effect; This variant is associated with the following publications: (PMID: 10583396)

Ambry Genetics
Classification: Likely pathogenic for Inborn genetic diseases. Last evaluated: 2017-12-21. Review status: criteria provided, single submitter. Criteria: Ambry exome assertion method (8-5-2015). Collection method: clinical testing. Allele origin: germline. Affected: yes. Observed: 1 variant allele.

Genetic Services Laboratory, University of Chicago
Classification: Pathogenic for Lissencephaly 1. Last evaluated: 2013-02-08. Review status: criteria provided, single submitter. Criteria: ACMG Guidelines, 2007. Collection method: clinical testing. Allele origin: germline. Inheritance: Autosomal dominant inheritance. Affected: yes.

Literature cited by the submitters: PubMed 10583396 (cited by Ambry Genetics).

NM_000430.4(PAFAH1B1):c.163T>A (p.Trp55Arg)

Gene: PAFAH1B1 (platelet activating factor acetylhydrolase 1b regulatory subunit 1; plus strand). Cytogenetic location: 17p13.3.
Variant type: single nucleotide variant.
Coding change: c.163T>A on transcript NM_000430.4 (MANE Select); coding-DNA position 163, T replaced by A.
Protein change: p.Trp55Arg; replaces tryptophan 55 with arginine.
Molecular consequence: missense variant.
Genome position (GRCh38, 1-based): chr17:2,666,061, T>A. VCF-style: chr17-2666061-T-A. GRCh37 (hg19) VCF-style: chr17-2569355-T-A.
Other names: short protein forms W55R.
Identifiers: ClinVar variation 159507 (VCV000159507.11), dbSNP rs587784254, ClinGen allele CA272388.